The following is an entry in ClinVar:

NM_000481.4(AMT):c.339+3G>A

Gene: AMT (aminomethyltransferase; minus strand). Cytogenetic location: 3p21.31.
Variant type: single nucleotide variant.
Coding change: c.339+3G>A on transcript NM_000481.4 (MANE Select); 3 bases into the intron after coding-DNA position 339, G replaced by A.
Molecular consequence: intron variant.
Genome position (GRCh38, 1-based): chr3:49,421,489, C>T on the plus strand (G>A on the coding strand, the complement: AMT is on the minus strand). VCF-style: chr3-49421489-C-T. GRCh37 (hg19) VCF-style: chr3-49458922-C-T.
Other names: c.171+3G>A (NM_001164711.2); c.339+3G>A (NM_001164710.2, NM_001164712.2).
Identifiers: ClinVar variation 903335 (VCV000903335.5), dbSNP rs752570901, ClinGen allele CA433647830.

ClinVar aggregate classification (germline): Uncertain significance. Review status: criteria provided, multiple submitters, no conflicts (2 of 4 stars). 2 submissions from 2 submitters: Uncertain significance (2). Last evaluated 2022-06-22.

Conditions:
Glycine encephalopathy. Also called: Non-ketotic hyperglycinemia; Nonketotic hyperglycinemia. Identifiers: Orphanet 407, MedGen C0751748, MONDO:0011612, HP:0008288.

Submissions (2):

Labcorp Genetics (formerly Invitae), Labcorp
Classification: Uncertain significance for Glycine encephalopathy. Last evaluated: 2022-06-22. Review status: criteria provided, single submitter. Criteria: Invitae Variant Classification Sherloc (09022015). Collection method: clinical testing. Allele origin: germline.
Comment: This sequence change falls in intron 3 of the AMT gene. It does not directly change the encoded amino acid sequence of the AMT protein. It affects a nucleotide within the consensus splice site. This variant is present in population databases (no rsID available, gnomAD 0.007%). This variant has not been reported in the literature in individuals affected with AMT-related conditions. ClinVar contains an entry for this variant (Variation ID: 903335). Variants that disrupt the consensus splice site are a relatively common cause of aberrant splicing (PMID: 17576681, 9536098). Algorithms developed to predict the effect of sequence changes on RNA splicing suggest that this variant is not likely to affect RNA splicing. In summary, the available evidence is currently insufficient to determine the role of this variant in disease. Therefore, it has been classified as a Variant of Uncertain Significance.

Illumina Laboratory Services, Illumina
Classification: Uncertain significance for Glycine encephalopathy 1. Last evaluated: 2018-04-06. Review status: criteria provided, single submitter. Criteria: ICSL Variant Classification Criteria 13 December 2019. Collection method: clinical testing. Allele origin: germline.

Literature cited by the submitters: PubMed 17576681 (cited by Labcorp Genetics (formerly Invitae), Labcorp); PubMed 9536098 (cited by Labcorp Genetics (formerly Invitae), Labcorp).